The following is an entry in ClinVar:

NM_000497.4(CYP11B1):c.1349G>A (p.Cys450Tyr)

Genes: CYP11B1 (cytochrome P450 family 11 subfamily B member 1; minus strand), LOC106799833 (CYP11B1 recombination region; plus strand). Cytogenetic location: 8q24.3.
Variant type: single nucleotide variant.
Coding change: c.1349G>A on transcript NM_000497.4 (MANE Select); coding-DNA position 1349, G replaced by A.
Protein change: p.Cys450Tyr; replaces cysteine 450 with tyrosine.
Molecular consequence: missense variant. On other transcripts: intron variant (1).
Genome position (GRCh38, 1-based): chr8:142,875,006, C>T on the plus strand (G>A on the coding strand, the complement: CYP11B1 is on the minus strand). VCF-style: chr8-142875006-C-T. GRCh37 (hg19) VCF-style: chr8-143956422-C-T.
Other names: c.1200+228G>A (NM_001026213.1); short protein forms C450Y.
Identifiers: ClinVar variation 4280607 (VCV004280607.1).
Genomic context (GRCh38, chr8:142,875,006, plus strand): 5'-GGCCTGCTCACATGGTGCAGCAGCAGCAGCATCTCTGCCTCTGCCAGGCGCCGCCCAAGG[C>T]ACTGGCGCATGCCAAAGCCAAAGGGCACGTGGTAGAAGTTCCTGCCGGAGCCCCTGATGT-3'
Protein context (NP_000488.3, residues 440-460): HVPFGFGMRQ[Cys450Tyr]LGRRLAEAEM

ClinVar aggregate classification (germline): Likely pathogenic (1 of 4 stars; one submission).

Conditions:
Deficiency of steroid 11-beta-monooxygenase (CYP11B1). Also called: P450C11B1 DEFICIENCY; STEROID 11-BETA-HYDROXYLASE DEFICIENCY; ADRENAL HYPERPLASIA, CONGENITAL, DUE TO STEROID 11-BETA-HYDROXYLASE DEFICIENCY; Congenital adrenal hyperplasia due to 11-beta-hydroxylase deficiency; 11-BETA-HYDROXYLASE DEFICIENCY; ADRENAL HYPERPLASIA IV. Identifiers: Orphanet 90795, MedGen C0268292, MONDO:0008729, OMIM 202010. Disease mechanism: loss of function.

gnomAD v4.1: 2 of 1,614,228 alleles (0.00012%); highest among the groups gnomAD compares: South Asian, 0.0011%; no homozygotes.

Submission:

Department of Paediatric Medicine, Post Graduation Institute of Medical Education and Research
Classification: Likely pathogenic for Deficiency of steroid 11-beta-monooxygenase. Last evaluated: 2025-10-01. Review status: criteria provided, single submitter. Criteria: ACMG Guidelines, 2015. Collection method: clinical testing. Allele origin: germline. Inheritance: Autosomal recessive inheritance. Affected: yes. Observed: 1 variant allele, 1 homozygote.
Comment: A Homozygous Missense variant c.1349G>A in Exon 8 of the CYP11B1 gene that results in the amino acid substitution p.Cys450Tyr was identified. The observed variant is absent in gnomAD exomes and genomes, respectively. The severity of the impact of this variant on the protein is medium, based on the effect of the protein and REVEL score . Rare Exome Variant Ensemble Learner (REVEL) is an ensemble method for predicting the pathogenicity of missense variants based on a combination of scores from 13 individual tools: MutPred, FATHMM v2.3, VEST 3.0, PolyPhen-2, SIFT, PROVEAN, MutationAssessor, MutationTaster, LRT, GERP++, SiPhy, phyloP, and phastCons. The REVEL score for an individual missense variant can range from 0 to 1, with higher scores reflecting a greater likelihood that the variant is disease-causing. The observed variant lies in Cytochrome P450 conserved site domain of CYP11B1 protein. Based on the above evidence, this variant has been classified as Likely Pathogenic according to the ACMG guidelines.